The following is an entry in ClinVar:

ClinVar aggregate classification (germline): Uncertain significance (1 of 4 stars; one submission).

Conditions:
Hereditary cancer-predisposing syndrome. Also called: Neoplastic Syndromes, Hereditary; Hereditary Cancer Syndrome; Hereditary neoplastic syndrome; Tumor predisposition. Identifiers: Orphanet 140162, MedGen C0027672, MeSH D009386, MONDO:0015356.

gnomAD v4.1: 1 of 1,613,240 alleles (0.000062%); highest among the groups gnomAD compares: Non-Finnish European, 0.000085%; no homozygotes.

Submission:

Labcorp Genetics (formerly Invitae), Labcorp
Classification: Uncertain significance for Hereditary cancer-predisposing syndrome. Last evaluated: 2021-02-05. Review status: criteria provided, single submitter. Criteria: Invitae Variant Classification Sherloc (09022015). Collection method: clinical testing. Allele origin: germline.
Comment: In summary, the available evidence is currently insufficient to determine the role of this variant in disease. Therefore, it has been classified as a Variant of Uncertain Significance. Algorithms developed to predict the effect of missense changes on protein structure and function (SIFT, PolyPhen-2, Align-GVGD) all suggest that this variant is likely to be tolerated, but these predictions have not been confirmed by published functional studies and their clinical significance is uncertain. This sequence change replaces glutamic acid with aspartic acid at codon 586 of the RAD50 protein (p.Glu586Asp). The glutamic acid residue is moderately conserved and there is a small physicochemical difference between glutamic acid and aspartic acid. This variant is not present in population databases (ExAC no frequency). This variant has not been reported in the literature in individuals with RAD50-related conditions.

NM_005732.4(RAD50):c.1758A>C (p.Glu586Asp)

Gene: RAD50 (RAD50 double strand break repair protein; plus strand). Cytogenetic location: 5q31.1.
Variant type: single nucleotide variant.
Coding change: c.1758A>C on transcript NM_005732.4 (MANE Select); coding-DNA position 1758, A replaced by C.
Protein change: p.Glu586Asp; replaces glutamic acid 586 with aspartic acid.
Molecular consequence: missense variant.
Genome position (GRCh38, 1-based): chr5:132,591,999, A>C. VCF-style: chr5-132591999-A-C. GRCh37 (hg19) VCF-style: chr5-131927691-A-C.
Other names: short protein forms E586D.
Identifiers: ClinVar variation 1436602 (VCV001436602.8), dbSNP rs2149842753, ClinGen allele CA360946674.